The following continues an entry in ClinVar:

NM_000038.6(APC):c.607C>G (p.Gln203Glu)

Gene: APC. ClinVar aggregate classification (germline): Conflicting classifications of pathogenicity. Uncertain significance (3); Benign (6); Likely benign (8).

Submissions 16 to 23 of 23:

Color Diagnostics, LLC DBA Color Health
Classification: Likely benign for Hereditary cancer-predisposing syndrome. Last evaluated: 2016-09-19. Review status: criteria provided, single submitter. Criteria: ACMG Guidelines, 2015. Collection method: clinical testing. Allele origin: germline.

Ambry Genetics
Classification: Benign for Hereditary cancer-predisposing syndrome. Last evaluated: 2015-08-19. Review status: criteria provided, single submitter. Criteria: Ambry Variant Classification Scheme 2023. Collection method: clinical testing. Allele origin: germline.

True Health Diagnostics
Classification: Likely benign for Hereditary cancer-predisposing syndrome. Last evaluated: 2017-09-28. Review status: no assertion criteria provided. Collection method: clinical testing. Allele origin: germline. Not counted in ClinVar's aggregate classification.

ITMI
No classification provided. Condition: AllHighlyPenetrant. Last evaluated: 2013-09-19. Review status: no classification provided. Collection method: reference population. Allele origin: germline. Not counted in ClinVar's aggregate classification.
Comment: Please see associated publication for description of ethnicities

Biesecker Lab/Clinical Genomics Section, National Institutes of Health
Classification: Uncertain significance. Last evaluated: 2012-07-13. Review status: no assertion criteria provided. Collection method: research. Allele origin: germline. Affected: no. Observed: 4 variant alleles. Study: ClinSeq. Not counted in ClinVar's aggregate classification.
ClinVar note: Converted during submission from variant of unknown significance to Uncertain significance.

Department of Pathology and Laboratory Medicine, Sinai Health System
Classification: Likely benign for Familial adenomatous polyposis 1. Review status: no assertion criteria provided. Collection method: clinical testing. Allele origin: unknown. Affected: yes. Observed: 1 variant allele. Study: The Canadian Open Genetics Repository (COGR). Not counted in ClinVar's aggregate classification.
Comment: The APC p.Gln203Glu variant was identified in the literature in 5 of 2506 control chromosomes (frequency: 0.002) from individuals with no personal or family history of cancer (Johnston 2012, Bodian 2014). The variant was also identified in dbSNP (ID: rs141576417) as "With other allele", ClinVar (classified as benign by Invitae, Ambry Genetics and GeneDx; as likely benign by Prevention Genetics, Color, and three other submitters; and as uncertain significance by one submitter), UMD (4x as "unclassified variant"), and LOVD 3.0 (1x). The variant was identified in control databases in 155 of 276178 chromosomes at a frequency of 0.0006 (Genome Aggregation Database Feb 27, 2017). The variant was observed in the following populations: Ashkenazi Jewish in 129 of 10142 chromosomes (freq: 0.01), Other in 5 of 6448 chromosomes (freq: 0.0008), European in 18 of 126044 chromosomes (freq: 0.0001), and African in 3 of 24000 chromosomes (freq: 0.0001); it was not observed in the East Asian, Finnish, Latino, or South Asian populations. The p.Gln203 residue is conserved across mammals and other organisms and 4 of 5 computational analyses (PolyPhen-2, SIFT, AlignGVGD, BLOSUM, MutationTaster) suggest that the variant may impact the protein; however, this information is not predictive enough to assume pathogenicity. The variant occurs outside of the splicing consensus sequence and in silico or computational prediction software programs (SpliceSiteFinder, MaxEntScan, NNSPLICE, GeneSplicer) do not predict a difference in splicing. In summary, based on the above information, the clinical significance of this variant cannot be determined with certainty at this time although we would lean towards a more benign role for this variant. This variant is classified as likely benign.

Genome Diagnostics Laboratory, Amsterdam University Medical Center
Classification: Likely benign. Review status: no assertion criteria provided. Collection method: clinical testing. Allele origin: germline. Affected: yes. Study: VKGL Data-share Consensus. Not counted in ClinVar's aggregate classification.

Laboratory of Diagnostic Genome Analysis, Leiden University Medical Center (LUMC)
Classification: Likely benign. Review status: no assertion criteria provided. Collection method: clinical testing. Allele origin: germline. Affected: yes. Study: VKGL Data-share Consensus. Not counted in ClinVar's aggregate classification.

Literature cited by the submitters: PubMed 27600092 (cited by Quest Diagnostics Nichols Institute San Juan Capistrano and Women's Health and Genetics/Laboratory Corporation of America, LabCorp); PubMed 26580448 (cited by Quest Diagnostics Nichols Institute San Juan Capistrano and Women's Health and Genetics/Laboratory Corporation of America, LabCorp); PubMed 30374176 (cited by Quest Diagnostics Nichols Institute San Juan Capistrano); PubMed 30613976 (cited by Quest Diagnostics Nichols Institute San Juan Capistrano and Women's Health and Genetics/Laboratory Corporation of America, LabCorp); PubMed 24728327 (cited by Women's Health and Genetics/Laboratory Corporation of America, LabCorp and ITMI); PubMed 25801821 (cited by Women's Health and Genetics/Laboratory Corporation of America, LabCorp); PubMed 29915797 (cited by Women's Health and Genetics/Laboratory Corporation of America, LabCorp); PubMed 18433509 (cited by Illumina Laboratory Services, Illumina).